The following is an entry in ClinVar:

NM_017951.5(SMPD4):c.2068del (p.Asp690fs)

Gene: SMPD4 (sphingomyelin phosphodiesterase 4; minus strand). Cytogenetic location: 2q21.1.
Variant type: Deletion.
Coding change: c.2068del on transcript NM_017951.5 (MANE Select); coding-DNA position 2068, one base deleted (G; older notation c.2068delG).
Protein change: p.Asp690fs; shifts the reading frame from aspartic acid 690.
Molecular consequence: frameshift variant. On other transcripts: non-coding transcript variant (2).
Genome position (GRCh38, 1-based): chr2:130,153,129, C deleted on the plus strand (G on the coding strand, the reverse complement: SMPD4 is on the minus strand); the first of 5 consecutive C bases (chr2:130,153,129-130,153,133); deleting any one gives the same sequence. VCF-style (leftmost placement, unchanged base first): chr2-130153128-TC-T. GRCh37 (hg19) VCF-style: chr2-130910701-TC-T.
Other names: c.1879del, p.Asp627fs (NM_001171083.2); c.2098del, p.Asp700fs (NM_017751.4); short protein forms D627fs, D690fs, D700fs.
Identifiers: ClinVar variation 3027157 (VCV003027157.22), dbSNP rs2467143595, ClinGen allele CA2740095691.

ClinVar aggregate classification (germline): Likely pathogenic (1 of 4 stars; one submission).

Submission:

CeGaT Center for Human Genetics Tuebingen
Classification: Likely pathogenic. Last evaluated: 2024-01-01. Review status: criteria provided, single submitter. Criteria: CeGaT Center For Human Genetics Tuebingen Variant Classification Criteria Version 2. Collection method: clinical testing. Allele origin: germline. Affected: yes. Observed: 1 variant allele.
Comment: SMPD4: PVS1:Strong, PM2, PM3:Supporting